The following is an entry in ClinVar:

NM_001199107.2(TBC1D24):c.1641C>A (p.Ala547=)

Gene: TBC1D24 (TBC1 domain family member 24; plus strand). Cytogenetic location: 16p13.3.
Variant type: single nucleotide variant.
Coding change: c.1641C>A on transcript NM_001199107.2 (MANE Select); coding-DNA position 1641, C replaced by A.
Protein change: p.Ala547=; no amino-acid change (alanine 547 retained).
Molecular consequence: synonymous variant.
Genome position (GRCh38, 1-based): chr16:2,500,919, C>A. VCF-style: chr16-2500919-C-A. GRCh37 (hg19) VCF-style: chr16-2550920-C-A.
Other names: c.1623C>A, p.Ala541= (NM_020705.3).
Identifiers: ClinVar variation 379484 (VCV000379484.17), dbSNP rs553215090, ClinGen allele CA7844368.

ClinVar aggregate classification (germline): Likely benign. Review status: criteria provided, multiple submitters, no conflicts (2 of 4 stars). 5 submissions from 5 submitters: Likely benign (5). Last evaluated 2026-06-01.

Conditions:
Inborn genetic diseases. Identifiers: MedGen C0950123, MeSH D030342.
Developmental and epileptic encephalopathy, 1 (DEE1). Also called: OHTAHARA SYNDROME, X-LINKED; X-linked infantile spasms; West's syndrome; Tonic spasms with clustering, arrest of psychomotor development and hypsarrhythmia on EEG; X-Linked Infantile Spasm Syndrome; Epileptic encephalopathy, early infantile, 1. Identifiers: MedGen C3463992, MONDO:0010632, OMIM 308350. Disease mechanism: loss of function.
Autosomal dominant nonsyndromic hearing loss 65. Also called: TBC1D24-Related Autosomal Dominant Nonsyndromic Hearing Loss (DFNA); Deafness, autosomal dominant 65. Identifiers: Orphanet 90635, MedGen C3892048, MONDO:0014470, OMIM 616044.

Allele frequency attached by ClinVar (database versions not stated): TOPMed 0.00002; ExAC 0.00003.

Submissions (5):

CeGaT Center for Human Genetics Tuebingen
Classification: Likely benign. Last evaluated: 2026-06-01. Review status: criteria provided, single submitter. Criteria: CeGaT Center For Human Genetics Tuebingen Variant Classification Criteria Version 2. Collection method: clinical testing. Allele origin: germline. Affected: yes. Observed: 1 variant allele.
Comment: TBC1D24: BP4, BP7

Labcorp Genetics (formerly Invitae), Labcorp
Classification: Likely benign for Developmental and epileptic encephalopathy, 1; Autosomal dominant nonsyndromic hearing loss 65. Last evaluated: 2026-02-03. Review status: criteria provided, single submitter. Criteria: Invitae Variant Classification Sherloc (09022015). Collection method: clinical testing. Allele origin: germline.

ARUP Laboratories, Molecular Genetics and Genomics, ARUP Laboratories
Classification: Likely benign. Last evaluated: 2024-07-15. Review status: criteria provided, single submitter. Criteria: ARUP Molecular Germline Variant Investigation Process 2024. Collection method: clinical testing. Allele origin: germline.

GeneDx
Classification: Likely benign. Last evaluated: 2020-07-29. Review status: criteria provided, single submitter. Criteria: GeneDx Variant Classification Process June 2021. Collection method: clinical testing. Allele origin: germline. Affected: yes.

Ambry Genetics
Classification: Likely benign for Inborn genetic diseases. Last evaluated: 2016-02-25. Review status: criteria provided, single submitter. Criteria: Ambry Variant Classification Scheme 2023. Collection method: clinical testing. Allele origin: germline.